The following is an entry in ClinVar:

NM_001035.3(RYR2):c.5735A>G (p.Tyr1912Cys)

Gene: RYR2 (ryanodine receptor 2; plus strand). Cytogenetic location: 1q43.
Variant type: single nucleotide variant.
Coding change: c.5735A>G on transcript NM_001035.3 (MANE Select); coding-DNA position 5735, A replaced by G.
Protein change: p.Tyr1912Cys; replaces tyrosine 1912 with cysteine.
Molecular consequence: missense variant.
Genome position (GRCh38, 1-based): chr1:237,617,305, A>G. VCF-style: chr1-237617305-A-G. GRCh37 (hg19) VCF-style: chr1-237780605-A-G.
Other names: short protein forms Y1912C.
Identifiers: ClinVar variation 3074184 (VCV003074184.1), dbSNP rs1573142216, ClinGen allele CA345406850.
Genomic context (GRCh38, chr1:237,617,305, plus strand): 5'-ATTTAGAAATTAAATTTGGTGTCTTTTTAATGGTCTCTTAGATGTGCCTACTGCTTCAGT[A>G]CCTCTGTGACTGCCAGGTCCGGCACCGGATAGAAGCCATTGTAGCCTTTTCAGATGATTT-3'
Protein context (NP_001026.2, residues 1902-1922): VKLQMCLLLQ[Tyr1912Cys]LCDCQVRHRI

ClinVar aggregate classification (germline): Uncertain significance (1 of 4 stars; one submission).

Conditions:
Catecholaminergic polymorphic ventricular tachycardia (CVPT). Also called: Catecholamine-induced polymorphic ventricular tachycardia. Identifiers: Orphanet 3286, MedGen C5574922, MONDO:0017990.

Allele frequency attached by ClinVar (database versions not stated): gnomAD exomes below 0.00001.
gnomAD v4.1: 1 of 1,613,048 alleles (0.000062%); highest among the groups gnomAD compares: South Asian, 0.0011%; no homozygotes.

Submission:

All of Us Research Program, National Institutes of Health
Classification: Uncertain significance for Catecholaminergic polymorphic ventricular tachycardia. Last evaluated: 2023-12-01. Review status: criteria provided, single submitter. Criteria: ACMG Guidelines, 2015. Collection method: clinical testing. Allele origin: germline. Inheritance: Autosomal dominant inheritance. Observed: 1 variant allele, 1 heterozygote.
Comment: This study involves interpretation of variants in research participants for the purpose of population health screening. Participant phenotype was not available at the time of variant classification. Additional details can be found in publication PMID: 35346344, PMCID: PMC8962531